The following is an entry in ClinVar:

ClinVar aggregate classification (germline): Pathogenic (1 of 4 stars; one submission).

gnomAD v4.1: 3 of 1,612,026 alleles (0.00019%); highest among the groups gnomAD compares: Non-Finnish European, 0.00025%; no homozygotes.

Submission:

Labcorp Genetics (formerly Invitae), Labcorp
Classification: Pathogenic. Last evaluated: 2025-10-20. Review status: criteria provided, single submitter. Criteria: Invitae Variant Classification Sherloc (09022015). Collection method: clinical testing. Allele origin: germline.
Comment: This sequence change creates a premature translational stop signal (p.Arg2138*) in the DMXL2 gene. It is expected to result in an absent or disrupted protein product. Loss-of-function variants in DMXL2 are known to be pathogenic (PMID: 30237576, 31688942). This variant is not present in population databases (gnomAD no frequency). This variant has not been reported in the literature in individuals affected with DMXL2-related conditions. For these reasons, this variant has been classified as Pathogenic.

Literature cited by the submitters: PubMed 30237576; PubMed 31688942.

NM_001378457.1(DMXL2):c.6412C>T (p.Arg2138Ter)

Gene: DMXL2 (Dmx like 2; minus strand). Cytogenetic location: 15q21.2.
Variant type: single nucleotide variant.
Coding change: c.6412C>T on transcript NM_001378457.1 (MANE Select); coding-DNA position 6412, C replaced by T.
Protein change: p.Arg2138Ter; replaces arginine 2138 with a stop codon.
Molecular consequence: nonsense. On other transcripts: non-coding transcript variant (2).
Genome position (GRCh38, 1-based): chr15:51,480,694, G>A on the plus strand (C>T on the coding strand, the complement: DMXL2 is on the minus strand). VCF-style: chr15-51480694-G-A. GRCh37 (hg19) VCF-style: chr15-51772891-G-A.
Other names: c.6412C>T, p.Arg2138Ter (NM_001174116.3, NM_001378458.1, NM_001378459.1 and 4 more transcripts); c.4504C>T, p.Arg1502Ter (NM_001174117.3); c.4393C>T, p.Arg1465Ter (NM_001378460.1); c.6172C>T, p.Arg2058Ter (NM_001378464.1); short protein forms R1502*, R2058*, R1465*, R2138*.
Identifiers: ClinVar variation 4701387 (VCV004701387.1).